The following is an entry in ClinVar:

NM_000891.3(KCNJ2):c.872A>C (p.Asp291Ala)

Gene: KCNJ2 (potassium inwardly rectifying channel subfamily J member 2; plus strand). Cytogenetic location: 17q24.3.
Variant type: single nucleotide variant.
Coding change: c.872A>C on transcript NM_000891.3 (MANE Select); coding-DNA position 872, A replaced by C.
Protein change: p.Asp291Ala; replaces aspartic acid 291 with alanine.
Molecular consequence: missense variant.
Genome position (GRCh38, 1-based): chr17:70,175,911, A>C. VCF-style: chr17-70175911-A-C. GRCh37 (hg19) VCF-style: chr17-68172052-A-C.
Other names: short protein forms D291A.
Identifiers: ClinVar variation 3862854 (VCV003862854.1).

ClinVar aggregate classification (germline): Uncertain significance (1 of 4 stars; one submission).

Conditions:
Cardiovascular phenotype. Identifiers: MedGen CN230736.

gnomAD v4.1: 1 of 1,614,130 alleles (0.000062%); highest among the groups gnomAD compares: Non-Finnish European, 0.000085%; no homozygotes.

Submission:

Ambry Genetics
Classification: Uncertain significance for Cardiovascular phenotype. Last evaluated: 2024-12-23. Review status: criteria provided, single submitter. Criteria: Ambry Variant Classification Scheme 2023. Collection method: clinical testing. Allele origin: germline.
Comment: The p.D291A variant (also known as c.872A>C), located in coding exon 1 of the KCNJ2 gene, results from an A to C substitution at nucleotide position 872. The aspartic acid at codon 291 is replaced by alanine, an amino acid with dissimilar properties. This amino acid position is well conserved in available vertebrate species. In addition, this alteration is predicted to be deleterious by in silico analysis. Based on the available evidence, the clinical significance of this variant remains unclear.